The following is an entry in ClinVar:

NM_001130823.3(DNMT1):c.935A>G (p.Lys312Arg)

Gene: DNMT1 (DNA methyltransferase 1; minus strand). Cytogenetic location: 19p13.2.
Variant type: single nucleotide variant.
Coding change: c.935A>G on transcript NM_001130823.3 (MANE Select); coding-DNA position 935, A replaced by G.
Protein change: p.Lys312Arg; replaces lysine 312 with arginine.
Molecular consequence: missense variant.
Genome position (GRCh38, 1-based): chr19:10,162,740, T>C on the plus strand (A>G on the coding strand, the complement: DNMT1 is on the minus strand). VCF-style: chr19-10162740-T-C. GRCh37 (hg19) VCF-style: chr19-10273416-T-C.
Other names: c.887A>G, p.Lys296Arg (NM_001318730.2, NM_001379.4); c.572A>G, p.Lys191Arg (NM_001318731.2); short protein forms K312R, K296R, K191R.
Identifiers: ClinVar variation 3003227 (VCV003003227.5), dbSNP rs544747966, ClinGen allele CA305174755.

ClinVar aggregate classification (germline): Uncertain significance. Review status: criteria provided, multiple submitters, no conflicts (2 of 4 stars). 2 submissions from 2 submitters: Uncertain significance (2). Last evaluated 2026-06-01.

Conditions:
Hereditary sensory neuropathy-deafness-dementia syndrome. Also called: HSN IE; Hereditary sensory neuropathy type IE; NEUROPATHY, HEREDITARY SENSORY, WITH HEARING LOSS AND DEMENTIA; Hereditary Sensory and Autonomic Neuropathy Type 1E (HSAN1E). Identifiers: Orphanet 456318, MedGen C3279885, MONDO:0013584, OMIM 614116.

Allele frequency attached by ClinVar (database versions not stated): TOPMed below 0.00001; gnomAD exomes 0.00001.
gnomAD v4.1: 4 of 1,614,096 alleles (0.00025%); highest among the groups gnomAD compares: Non-Finnish European, 0.00034%; no homozygotes.

Submissions (2):

CeGaT Center for Human Genetics Tuebingen
Classification: Uncertain significance. Last evaluated: 2026-06-01. Review status: criteria provided, single submitter. Criteria: CeGaT Center For Human Genetics Tuebingen Variant Classification Criteria Version 2. Collection method: clinical testing. Allele origin: germline. Affected: yes. Observed: 1 variant allele.
Comment: DNMT1: PM2, BP4

Labcorp Genetics (formerly Invitae), Labcorp
Classification: Uncertain significance for Hereditary sensory neuropathy-deafness-dementia syndrome. Last evaluated: 2023-03-26. Review status: criteria provided, single submitter. Criteria: Invitae Variant Classification Sherloc (09022015). Collection method: clinical testing. Allele origin: germline.
Comment: This sequence change replaces lysine, which is basic and polar, with arginine, which is basic and polar, at codon 312 of the DNMT1 protein (p.Lys312Arg). This variant is present in population databases (rs544747966, gnomAD 0.0009%). This variant has not been reported in the literature in individuals affected with DNMT1-related conditions. Algorithms developed to predict the effect of missense changes on protein structure and function output the following: SIFT: "Not Available"; PolyPhen-2: "Benign"; Align-GVGD: "Not Available". The arginine amino acid residue is found in multiple mammalian species, which suggests that this missense change does not adversely affect protein function. In summary, the available evidence is currently insufficient to determine the role of this variant in disease. Therefore, it has been classified as a Variant of Uncertain Significance.